The following is an entry in ClinVar:

ClinVar aggregate classification (germline): Uncertain significance. Review status: criteria provided, single submitter (1 of 4 stars). 3 submissions from 3 submitters: Uncertain significance (1). 2 of the submissions do not count toward it. Last evaluated 2022-10-24.

Allele frequency attached by ClinVar (database versions not stated): ExAC 0.00008; gnomAD exomes 0.00009 and 0.00010; gnomAD 0.00014 and 0.00015; TOPMed 0.00014; ESP Exome Variant Server 0.00016.
gnomAD v4.1: 168 of 1,613,122 alleles (0.01%); highest among the groups gnomAD compares: Non-Finnish European, 0.012%; no homozygotes.

Submissions (3):

Labcorp Genetics (formerly Invitae), Labcorp
Classification: Uncertain significance. Last evaluated: 2022-10-24. Review status: criteria provided, single submitter. Criteria: Invitae Variant Classification Sherloc (09022015). Collection method: clinical testing. Allele origin: germline.
Comment: This sequence change replaces glycine, which is neutral and non-polar, with glutamic acid, which is acidic and polar, at codon 1582 of the OBSL1 protein (p.Gly1582Glu). This variant is present in population databases (rs201690766, gnomAD 0.01%). This variant has not been reported in the literature in individuals affected with OBSL1-related conditions. ClinVar contains an entry for this variant (Variation ID: 1284929). Algorithms developed to predict the effect of missense changes on protein structure and function are either unavailable or do not agree on the potential impact of this missense change (SIFT: "Tolerated"; PolyPhen-2: "Probably Damaging"; Align-GVGD: "Class C0"). In summary, the available evidence is currently insufficient to determine the role of this variant in disease. Therefore, it has been classified as a Variant of Uncertain Significance.

Clinical Genetics DNA and cytogenetics Diagnostics Lab, Erasmus MC, Erasmus Medical Center
Classification: Likely benign. Review status: no assertion criteria provided. Collection method: clinical testing. Allele origin: germline. Affected: yes. Study: VKGL Data-share Consensus. Not counted in ClinVar's aggregate classification.

Genome Diagnostics Laboratory, University Medical Center Utrecht
Classification: Likely benign. Review status: no assertion criteria provided. Collection method: clinical testing. Allele origin: germline. Affected: yes. Study: VKGL Data-share Consensus. Not counted in ClinVar's aggregate classification.

NM_015311.3(OBSL1):c.4745G>A (p.Gly1582Glu)

Gene: OBSL1 (obscurin like cytoskeletal adaptor 1; minus strand). Cytogenetic location: 2q35.
Variant type: single nucleotide variant.
Coding change: c.4745G>A on transcript NM_015311.3 (MANE Select); coding-DNA position 4745, G replaced by A.
Protein change: p.Gly1582Glu; replaces glycine 1582 with glutamic acid.
Molecular consequence: missense variant.
Genome position (GRCh38, 1-based): chr2:219,554,605, C>T on the plus strand (G>A on the coding strand, the complement: OBSL1 is on the minus strand). VCF-style: chr2-219554605-C-T. GRCh37 (hg19) VCF-style: chr2-220419327-C-T.
Other names: short protein forms G1582E.
Identifiers: ClinVar variation 1284929 (VCV001284929.7), dbSNP rs201690766, ClinGen allele CA2130439.